The following is an entry in ClinVar:

ClinVar aggregate classification (germline): Pathogenic (1 of 4 stars; one submission).

Conditions:
Charcot-Marie-Tooth disease axonal type 2T. Identifiers: Orphanet 443950, MedGen C4015635, OMIM 617017, MONDO:0014866.

gnomAD v4.1: 10 of 152,120 alleles (0.0066%); highest among the groups gnomAD compares: Non-Finnish European, 0.012%; no homozygotes.

Submission:

Northcott Neuroscience Laboratory, ANZAC Research Institute
Classification: Pathogenic for Charcot-Marie-Tooth disease axonal type 2T. Review status: criteria provided, single submitter. Criteria: ACMG Guidelines, 2015. Collection method: research, in vitro. Allele origin: inherited, not applicable. Inheritance: Autosomal recessive inheritance. Affected: yes. Observed: 5 variant alleles, 1 compound heterozygote, 4 homozygotes. Functional consequence: inclusion of cryptic exon.
Comment: MME c.1188+428A>G was found to cause recessive CMT2T in two unrelated Australian families. Segregation analysis in Family 1 confirmed the biallelic inheritance of the MME c.1188+428A>G variant segregated with the CMT2T phenotype in 4 affected siblings. In Family 2, the MME c.1188+428A>G variant was detected in a compound heterozygous state with a known pathogenic MME variant (MME c.467del; p.Pro156Leufs*14). SpliceAI predicted that MME c.1188+428A>G could create a strong novel splice donor site (Score 0.97; where a SpliceAI score above 0.8 is considered a ‘high precision’ predicted splice variant56). An in vitro splicing assay showed that this variant causes the inclusion of an 83 bp pseudoexon that likely leads to NMD of the MME transcript, resulting in a loss-of-function. This variant was assessed as 'pathogenic' using ACMG guidelines (PVS1, PS3, PM2, PM3, PP1).

Literature cited by the submitters: PubMed 38860315.

NM_007289.4(MME):c.1188+428A>G

Gene: MME (membrane metalloendopeptidase; plus strand). Cytogenetic location: 3q25.2.
Variant type: single nucleotide variant.
Coding change: c.1188+428A>G on transcript NM_007289.4 (MANE Select); 428 bases into the intron after coding-DNA position 1188, A replaced by G.
Molecular consequence: intron variant.
Genome position (GRCh38, 1-based): chr3:155,142,758, A>G. VCF-style: chr3-155142758-A-G. GRCh37 (hg19) VCF-style: chr3-154860547-A-G.
Other names: c.1188+428A>G (NM_001354642.2, NM_000902.5, NM_007287.4 and 2 more transcripts).
Identifiers: ClinVar variation 3769636 (VCV003769636.2), dbSNP rs61758195.